The following is an entry in ClinVar:

ClinVar aggregate classification (germline): Uncertain significance (1 of 4 stars; one submission).

Conditions:
Brugada syndrome 8 (BRGDA8). Identifiers: Orphanet 130, MedGen C2751083, MONDO:0013148, OMIM 613123.

Submission:

Labcorp Genetics (formerly Invitae), Labcorp
Classification: Uncertain significance for Brugada syndrome 8. Last evaluated: 2024-03-04. Review status: criteria provided, single submitter. Criteria: Invitae Variant Classification Sherloc (09022015). Collection method: clinical testing. Allele origin: germline.
Comment: This sequence change replaces serine with leucine at codon 935 of the HCN4 protein (p.Ser935Leu). The serine residue is weakly conserved and there is a large physicochemical difference between serine and leucine. Information on the frequency of this variant in the gnomAD database is not available, as this variant may be reported differently in the database. This variant has not been reported in the literature in individuals affected with HCN4-related conditions. ClinVar contains an entry for this variant (Variation ID: 1408025). An algorithm developed to predict the effect of missense changes on protein structure and function (PolyPhen-2) suggests that this variant is likely to be tolerated. In summary, the available evidence is currently insufficient to determine the role of this variant in disease. Therefore, it has been classified as a Variant of Uncertain Significance.

NM_005477.3(HCN4):c.2804_2805delinsTA (p.Ser935Leu)

Gene: HCN4 (hyperpolarization activated cyclic nucleotide gated potassium channel 4; minus strand). Cytogenetic location: 15q24.1.
Variant type: Indel.
Coding change: c.2804_2805delinsTA on transcript NM_005477.3 (MANE Select); coding-DNA positions 2804 to 2805, CC replaced by TA.
Protein change: p.Ser935Leu; replaces serine 935 with leucine.
Molecular consequence: missense variant.
Genome position (GRCh38, 1-based): chr15:73,323,288-73,323,289, GG replaced by TA on the plus strand (CC replaced by TA on the coding strand, the reverse complement: HCN4 is on the minus strand). VCF-style: chr15-73323288-GG-TA. GRCh37 (hg19) VCF-style: chr15-73615629-GG-TA.
Other names: short protein forms S935L.
Identifiers: ClinVar variation 1408025 (VCV001408025.6), dbSNP rs2151214401, ClinGen allele CA2573151087.